The following is an entry in ClinVar:

ClinVar aggregate classification (germline): Conflicting classifications of pathogenicity. Review status: criteria provided, conflicting classifications (1 of 4 stars). 3 submissions from 3 submitters: Uncertain significance (2); Likely benign (1). Last evaluated 2026-01-21.

Conditions:
Cardiovascular phenotype. Identifiers: MedGen CN230736.
Hypertrophic cardiomyopathy 26. Also called: Cardiomyopathy, familial hypertrophic, 26. Identifiers: Orphanet 75249, MedGen C4310749, MONDO:0014883, OMIM 617047.
Distal myopathy with posterior leg and anterior hand involvement. Also called: WILLIAMS DISTAL MYOPATHY. Identifiers: Orphanet 63273, MedGen C3279722, MONDO:0013550, OMIM 614065.
Myofibrillar myopathy 5. Also called: Filaminopathy (type); FILAMINOPATHY, AUTOSOMAL DOMINANT. Identifiers: Orphanet 171445, MedGen C1836050, MONDO:0012289, OMIM 609524.

Allele frequency attached by ClinVar (database versions not stated): ExAC 0.00002; gnomAD exomes 0.00001 and 0.00003; gnomAD 0.00002; TOPMed 0.00002.
gnomAD v4.1: 15 of 1,614,030 alleles (0.00093%); highest among the groups gnomAD compares: African/African-American, 0.0053%; no homozygotes.

Submissions (3):

Labcorp Genetics (formerly Invitae), Labcorp
Classification: Likely benign for Distal myopathy with posterior leg and anterior hand involvement; Myofibrillar myopathy 5; Hypertrophic cardiomyopathy 26. Last evaluated: 2026-01-21. Review status: criteria provided, single submitter. Criteria: Invitae Variant Classification Sherloc (09022015). Collection method: clinical testing. Allele origin: germline.

Ambry Genetics
Classification: Uncertain significance for Cardiovascular phenotype. Last evaluated: 2024-05-08. Review status: criteria provided, single submitter. Criteria: Ambry Variant Classification Scheme 2023. Collection method: clinical testing. Allele origin: germline.
Comment: The p.R1719H variant (also known as c.5156G>A), located in coding exon 30 of the FLNC gene, results from a G to A substitution at nucleotide position 5156. The arginine at codon 1719 is replaced by histidine, an amino acid with highly similar properties. This amino acid position is highly conserved in available vertebrate species. In addition, this alteration is predicted to be deleterious by in silico analysis. Since supporting evidence is limited at this time, the clinical significance of this alteration remains unclear.

Genetics and Molecular Pathology, SA Pathology
Classification: Uncertain significance for Hypertrophic cardiomyopathy 26. Last evaluated: 2022-07-05. Review status: criteria provided, single submitter. Criteria: ACMG Guidelines, 2015. Collection method: clinical testing. Allele origin: germline. Affected: yes.

NM_001458.5(FLNC):c.5156G>A (p.Arg1719His)

Gene: FLNC (filamin C; plus strand). Cytogenetic location: 7q32.1.
Variant type: single nucleotide variant.
Coding change: c.5156G>A on transcript NM_001458.5 (MANE Select); coding-DNA position 5156, G replaced by A.
Protein change: p.Arg1719His; replaces arginine 1719 with histidine.
Molecular consequence: missense variant.
Genome position (GRCh38, 1-based): chr7:128,849,535, G>A. VCF-style: chr7-128849535-G-A. GRCh37 (hg19) VCF-style: chr7-128489589-G-A.
Other names: c.5156G>A, p.Arg1719His (NM_001127487.2); short protein forms R1719H.
Identifiers: ClinVar variation 956045 (VCV000956045.13), dbSNP rs746777092, ClinGen allele CA4475569.
Genomic context (GRCh38, chr7:128,849,535, plus strand): 5'-ACGGTACCTTTGACATCTACTACACAGCGCCCGAGCCGGGCAAGTACGTCATCACCATCC[G>A]CTTCGGGGGTGAGCACATCCCCAACAGCCCCTTCCACGTGCTGGTAAGTTCTGTAGCCAC-3'
Protein context (NP_001449.3, residues 1709-1729): PEPGKYVITI[Arg1719His]FGGEHIPNSP